The following is an entry in ClinVar:

ClinVar aggregate classification (germline): Likely benign (0 of 4 stars; one submission).

Conditions:
DNAH17-related disorder. Also called: DNAH17-related condition.

Allele frequency attached by ClinVar (database versions not stated): 1000 Genomes Project 30x 0.00016; gnomAD 0.00023; ESP Exome Variant Server 0.00026; ExAC 0.00039.
gnomAD v4.1: 510 of 1,544,752 alleles (0.033%); highest among the groups gnomAD compares: Middle Eastern, 0.084%; 1 homozygote.

Submission:

PreventionGenetics, part of Exact Sciences
Classification: Likely benign for DNAH17-related condition. Last evaluated: 2019-10-28. Review status: no assertion criteria provided. Collection method: clinical testing. Allele origin: germline.
Comment: This variant is classified as likely benign based on ACMG/AMP sequence variant interpretation guidelines (Richards et al. 2015 PMID: 25741868, with internal and published modifications).

NM_173628.4(DNAH17):c.1836-10C>G

Gene: DNAH17 (dynein axonemal heavy chain 17; minus strand). Cytogenetic location: 17q25.3.
Variant type: single nucleotide variant.
Coding change: c.1836-10C>G on transcript NM_173628.4 (MANE Select); 10 bases into the intron before coding-DNA position 1836, C replaced by G.
Molecular consequence: intron variant.
Genome position (GRCh38, 1-based): chr17:78,560,945, G>C on the plus strand (C>G on the coding strand, the complement: DNAH17 is on the minus strand). VCF-style: chr17-78560945-G-C. GRCh37 (hg19) VCF-style: chr17-76557027-G-C.
Identifiers: ClinVar variation 3040519 (VCV003040519.2), dbSNP rs368146556, ClinGen allele CA8804981.